The following is an entry in ClinVar:

ClinVar aggregate classification (germline): Conflicting classifications of pathogenicity. Review status: criteria provided, conflicting classifications (1 of 4 stars). 7 submissions from 7 submitters: Uncertain significance (2); Likely benign (5). Last evaluated 2026-01-19.

Conditions:
COL5A2-related disorder. Also called: COL5A2-related condition.
Ehlers-Danlos syndrome, classic type, 1 (EDSCL1). Also called: Ehlers-Danlos syndrome, type 1; Ehlers-Danlos Syndrome, Classic Type, COL5A1-Related; EDS I; EHLERS-DANLOS SYNDROME, GRAVIS TYPE; EHLERS-DANLOS SYNDROME, SEVERE CLASSIC TYPE. Identifiers: MedGen C0268335, MONDO:0019567, OMIM 130000.
Ehlers-Danlos syndrome, classic type, 2 (EDSCL2). Also called: Ehlers-Danlos syndrome, type 2; Ehlers-Danlos syndrome type 2 (formerly); Ehlers-Danlos Syndrome, Classic Type, COL5A2-Related. Identifiers: Orphanet 287, Orphanet 90318, MedGen C0268336, MONDO:0019568, OMIM 130010.
Ehlers-Danlos syndrome (EDS). Identifiers: Orphanet 98249, MedGen C0013720, MONDO:0020066.
Familial thoracic aortic aneurysm and aortic dissection (TAAD). Also called: Thoracic aortic aneurysms and dissections. Identifiers: Orphanet 91387, MedGen C4707243, MONDO:0019625.

Allele frequency attached by ClinVar (database versions not stated): gnomAD exomes 0.00011 and 0.00018; gnomAD 0.00015 and 0.00016; ExAC 0.00017; TOPMed 0.00019; ESP Exome Variant Server 0.00023.
gnomAD v4.1: 219 of 1,613,214 alleles (0.014%); highest among the groups gnomAD compares: Non-Finnish European, 0.0053%; no homozygotes.

Submissions (7):

Labcorp Genetics (formerly Invitae), Labcorp
Classification: Likely benign for Ehlers-Danlos syndrome, classic type, 1. Last evaluated: 2026-01-19. Review status: criteria provided, single submitter. Criteria: Invitae Variant Classification Sherloc (09022015). Collection method: clinical testing. Allele origin: germline.

Women's Health and Genetics/Laboratory Corporation of America, LabCorp
Classification: Likely benign. Last evaluated: 2025-05-28. Review status: criteria provided, single submitter. Criteria: LabCorp Variant Classification Summary - May 2015. Collection method: clinical testing. Allele origin: germline.
Comment: Variant summary: COL5A2 c.1633C>T (p.Arg545Trp) results in a non-conservative amino acid change in the encoded protein sequence. Algorithms developed to predict the effect of missense changes on protein structure and function all suggest that this variant is likely to be disruptive. The variant allele was found at a frequency of 0.00018 in 251202 control chromosomes. The observed variant frequency is approximately 29-fold of the estimated maximal expected allele frequency for a pathogenic variant in COL5A2 causing Ehlers-Danlos Syndrome phenotype (6.3e-06), suggesting the variant may be benign. To our knowledge, no occurrence of c.1633C>T in individuals affected with Ehlers-Danlos Syndrome and no experimental evidence demonstrating its impact on protein function have been reported. ClinVar contains an entry for this variant (Variation ID: 213099). Based on the evidence outlined above, the variant was classified as likely benign.

GeneDx
Classification: Uncertain significance. Last evaluated: 2025-03-19. Review status: criteria provided, single submitter. Criteria: GeneDx Variant Classification Process June 2021. Collection method: clinical testing. Allele origin: germline. Affected: yes.
Comment: Has not been previously published as pathogenic or benign to our knowledge; In silico analysis supports that this missense variant has a deleterious effect on protein structure/function

PreventionGenetics, part of Exact Sciences
Classification: Likely benign for COL5A2-related condition. Last evaluated: 2024-11-27. Review status: criteria provided, single submitter. Criteria: ACMG Guidelines, 2015. Collection method: clinical testing. Allele origin: germline.
Comment: This variant is classified as likely benign based on ACMG/AMP sequence variant interpretation guidelines (Richards et al. 2015 PMID: 25741868, with internal and published modifications).

Genome Diagnostics Laboratory, The Hospital for Sick Children
Classification: Uncertain significance for Ehlers-Danlos syndrome. Last evaluated: 2020-09-25. Review status: criteria provided, single submitter. Criteria: ACMG Guidelines, 2015. Collection method: clinical testing. Allele origin: germline.

Ambry Genetics
Classification: Likely benign for Familial thoracic aortic aneurysm and aortic dissection. Last evaluated: 2020-03-02. Review status: criteria provided, single submitter. Criteria: Ambry Variant Classification Scheme 2023. Collection method: clinical testing. Allele origin: germline.

Illumina Laboratory Services, Illumina
Classification: Likely benign for Ehlers-Danlos syndrome, classic type, 2. Last evaluated: 2018-01-13. Review status: criteria provided, single submitter. Criteria: ICSL Variant Classification Criteria 13 December 2019. Collection method: clinical testing. Allele origin: germline.
Comment: This variant was observed in the ICSL laboratory as part of a predisposition screen in an ostensibly healthy population. It had not been previously curated by ICSL or reported in the Human Gene Mutation Database (HGMD: prior to June 1st, 2018), and was therefore a candidate for classification through an automated scoring system. Utilizing variant allele frequency, disease prevalence and penetrance estimates, and inheritance mode, an automated score was calculated to assess if this variant is too frequent to cause the disease. Based on the score and internal cut-off values, a variant classified as likely benign is not then subjected to further curation. The score for this variant resulted in a classification of likely benign for this disease.

NM_000393.5(COL5A2):c.1633C>T (p.Arg545Trp)

Gene: COL5A2 (collagen type V alpha 2 chain; minus strand). Cytogenetic location: 2q32.2.
Variant type: single nucleotide variant.
Coding change: c.1633C>T on transcript NM_000393.5 (MANE Select); coding-DNA position 1633, C replaced by T.
Protein change: p.Arg545Trp; replaces arginine 545 with tryptophan.
Molecular consequence: missense variant.
Genome position (GRCh38, 1-based): chr2:189,064,640, G>A on the plus strand (C>T on the coding strand, the complement: COL5A2 is on the minus strand). VCF-style: chr2-189064640-G-A. GRCh37 (hg19) VCF-style: chr2-189929366-G-A.
Other names: p.R545W:CGG>TGG; c.1633C>T (NM_000393.4); short protein forms R545W.
Identifiers: ClinVar variation 213099 (VCV000213099.29), dbSNP rs145258293, ClinGen allele CA322991.